The following is an entry in ClinVar:

ClinVar aggregate classification (germline): Uncertain significance (1 of 4 stars; one submission).

Allele frequency attached by ClinVar (database versions not stated): gnomAD exomes 0.00001; ExAC 0.00002.
gnomAD v4.1: 6 of 1,597,596 alleles (0.00038%); highest among the groups gnomAD compares: Non-Finnish European, 0.00034%; no homozygotes.

Submission:

Labcorp Genetics (formerly Invitae), Labcorp
Classification: Uncertain significance. Last evaluated: 2021-10-14. Review status: criteria provided, single submitter. Criteria: Invitae Variant Classification Sherloc (09022015). Collection method: clinical testing. Allele origin: germline.
Comment: This sequence change replaces phenylalanine with serine at codon 152 of the AGXT protein (p.Phe152Ser). The phenylalanine residue is highly conserved and there is a large physicochemical difference between phenylalanine and serine. This variant is present in population databases (rs765812098, ExAC 0.005%). This variant has not been reported in the literature in individuals affected with AGXT-related conditions. Advanced modeling of protein sequence and biophysical properties (such as structural, functional, and spatial information, amino acid conservation, physicochemical variation, residue mobility, and thermodynamic stability) performed at Invitae indicates that this missense variant is expected to disrupt AGXT protein function. This variant disrupts the p.Phe152 amino acid residue in AGXT. Other variant(s) that disrupt this residue have been determined to be pathogenic (PMID: 8101040, 10960483, 11708860, 25363903). This suggests that this residue is clinically significant, and that variants that disrupt this residue are likely to be disease-causing. In summary, the available evidence is currently insufficient to determine the role of this variant in disease. Therefore, it has been classified as a Variant of Uncertain Significance.

Literature cited by the submitters: PubMed 8101040; PubMed 10960483; PubMed 11708860; PubMed 25363903.

NM_000030.3(AGXT):c.455T>C (p.Phe152Ser)

Gene: AGXT (alanine--glyoxylate aminotransferase; plus strand). Cytogenetic location: 2q37.3.
Variant type: single nucleotide variant.
Coding change: c.455T>C on transcript NM_000030.3 (MANE Select); coding-DNA position 455, T replaced by C.
Protein change: p.Phe152Ser; replaces phenylalanine 152 with serine.
Molecular consequence: missense variant.
Genome position (GRCh38, 1-based): chr2:240,871,380, T>C. VCF-style: chr2-240871380-T-C. GRCh37 (hg19) VCF-style: chr2-241810797-T-C.
Other names: short protein forms F152S.
Identifiers: ClinVar variation 1356728 (VCV001356728.5), dbSNP rs765812098, ClinGen allele CA2209097.